The following is an entry in ClinVar:

ClinVar aggregate classification (germline): Uncertain significance. Review status: criteria provided, multiple submitters, no conflicts (2 of 4 stars). 2 submissions from 2 submitters: Uncertain significance (2). Last evaluated 2025-05-19.

Conditions:
Charcot-Marie-Tooth disease type 2. Also called: Charcot-Marie-Tooth type 2. Identifiers: Orphanet 64746, MedGen C0270914, MONDO:0018993.

Allele frequency attached by ClinVar (database versions not stated): gnomAD exomes 0.00001; TOPMed 0.00001; gnomAD 0.00001.
gnomAD v4.1: 11 of 1,613,956 alleles (0.00068%); highest among the groups gnomAD compares: African/African-American, 0.0013%; no homozygotes.

Submissions (2):

Labcorp Genetics (formerly Invitae), Labcorp
Classification: Uncertain significance for Charcot-Marie-Tooth disease type 2. Last evaluated: 2025-05-19. Review status: criteria provided, single submitter. Criteria: Invitae Variant Classification Sherloc (09022015). Collection method: clinical testing. Allele origin: germline.
Comment: This sequence change replaces aspartic acid, which is acidic and polar, with tyrosine, which is neutral and polar, at codon 1482 of the KIF1B protein (p.Asp1482Tyr). This variant is present in population databases (no rsID available, gnomAD 0.002%). This variant has not been reported in the literature in individuals affected with KIF1B-related conditions. ClinVar contains an entry for this variant (Variation ID: 1356440). An algorithm developed to predict the effect of missense changes on protein structure and function (PolyPhen-2) suggests that this variant is likely to be tolerated. In summary, the available evidence is currently insufficient to determine the role of this variant in disease. Therefore, it has been classified as a Variant of Uncertain Significance.

Ambry Genetics
Classification: Uncertain significance. Last evaluated: 2023-09-07. Review status: criteria provided, single submitter. Criteria: Ambry Variant Classification Scheme 2023. Collection method: clinical testing. Allele origin: germline.
Comment: The p.D1482Y variant (also known as c.4444G>T), located in coding exon 40 of the KIF1B gene, results from a G to T substitution at nucleotide position 4444. The aspartic acid at codon 1482 is replaced by tyrosine, an amino acid with highly dissimilar properties. This amino acid position is conserved. In addition, the in silico prediction for this alteration is inconclusive. Since supporting evidence is limited at this time, the clinical significance of this alteration remains unclear.

NM_001365951.3(KIF1B):c.4582G>T (p.Asp1528Tyr)

Gene: KIF1B (kinesin family member 1B; plus strand). Cytogenetic location: 1p36.22.
Variant type: single nucleotide variant.
Coding change: c.4582G>T on transcript NM_001365951.3 (MANE Select); coding-DNA position 4582, G replaced by T.
Protein change: p.Asp1528Tyr; replaces aspartic acid 1528 with tyrosine.
Molecular consequence: missense variant.
Genome position (GRCh38, 1-based): chr1:10,365,478, G>T. VCF-style: chr1-10365478-G-T. GRCh37 (hg19) VCF-style: chr1-10425536-G-T.
Other names: c.4582G>T, p.Asp1528Tyr (NM_001365952.1); c.4444G>T, p.Asp1482Tyr (NM_015074.3); short protein forms D1482Y, D1528Y.
Identifiers: ClinVar variation 1356440 (VCV001356440.8), dbSNP rs1242181470, ClinGen allele CA338321965.